The following is an entry in ClinVar:

ClinVar aggregate classification (germline): Likely pathogenic (1 of 4 stars; one submission).

Conditions:
Autosomal recessive limb-girdle muscular dystrophy type 2E (LGMDR4). Also called: MUSCULAR DYSTROPHY, LIMB-GIRDLE, AUTOSOMAL RECESSIVE 4. Identifiers: Orphanet 119, MedGen C1858593, MONDO:0011423, OMIM 604286. Disease mechanism: Affects gamma-sarcoglycan and also disrupts the integrity of the entire sarcoglycan complex..

Submission:

Natera, Inc.
Classification: Likely pathogenic for Limb-girdle muscular dystrophy type 2E. Last evaluated: 2025-03-17. Review status: criteria provided, single submitter. Criteria: Natera Variant Classification Schema (03/2026). Collection method: clinical testing. Allele origin: germline.
Comment: The c.278del variant in SGCB is a frameshift variant predicted to shift the reading frame beginning at codon 93 and leads to a stop codon 26 codons downstream. This variant is expected to result in nonsense mediated decay, truncation, or a dysfunctional protein product. This variant is rare in the general population with a frequency below the threshold expected for the associated phenotype(s). Given the available evidence, this variant is classified as Likely Pathogenic.

NM_000232.5(SGCB):c.278del (p.Gly93fs)

Gene: SGCB (sarcoglycan beta; minus strand). Cytogenetic location: 4q12.
Variant type: Deletion.
Coding change: c.278del on transcript NM_000232.5 (MANE Select); coding-DNA position 278, one base deleted (G; older notation c.278delG).
Protein change: p.Gly93fs; shifts the reading frame from glycine 93.
Molecular consequence: frameshift variant.
Genome position (GRCh38, 1-based): chr4:52,029,829, C deleted on the plus strand (G on the coding strand, the reverse complement: SGCB is on the minus strand); the first of 2 consecutive C bases (chr4:52,029,829-52,029,830); deleting either gives the same sequence. VCF-style (leftmost placement, unchanged base first): chr4-52029828-TC-T. GRCh37 (hg19) VCF-style: chr4-52895994-TC-T.
Other names: c.277delG, p.Gly93Aspfs (NM_000232.4); short protein forms G93fs.
Identifiers: ClinVar variation 4061310 (VCV004061310.2).